The following is an entry in ClinVar:

NM_206933.4(USH2A):c.7955del (p.Gly2652fs)

Gene: USH2A (usherin; minus strand). Cytogenetic location: 1q41.
Variant type: Deletion.
Coding change: c.7955del on transcript NM_206933.4 (MANE Select); coding-DNA position 7955, one base deleted (G; older notation c.7955delG).
Protein change: p.Gly2652fs; shifts the reading frame from glycine 2652.
Molecular consequence: frameshift variant.
Genome position (GRCh38, 1-based): chr1:215,888,694, C deleted on the plus strand (G on the coding strand, the reverse complement: USH2A is on the minus strand); the first of 2 consecutive C bases (chr1:215,888,694-215,888,695); deleting either gives the same sequence. VCF-style (leftmost placement, unchanged base first): chr1-215888693-GC-G. GRCh37 (hg19) VCF-style: chr1-216062035-GC-G.
Other names: short protein forms G2652fs.
Identifiers: ClinVar variation 4081855 (VCV004081855.1).

ClinVar aggregate classification (germline): Pathogenic (1 of 4 stars; one submission).

Conditions:
USH2A-related disorder. Also called: USH2A-related condition; USH2A-related disorders. Identifiers: MedGen CN239332.

Submission:

Myriad Genetics, Inc.
Classification: Pathogenic for USH2A-related disorder. Last evaluated: 2025-05-20. Review status: criteria provided, single submitter. Criteria: Myriad Autosomal Dominant, Autosomal Recessive and X-Linked Classification Criteria (2023). Collection method: clinical testing. Allele origin: unknown.
Comment: NM_206933.2(USH2A):c.7955delG(G2652Afs*22) is a frameshift variant classified as pathogenic in the context of USH2A-related disorders. G2652Afs*22 has not been observed in cases with relevant disease. Relevant functional assessments of this variant are not available in the literature. G2652Afs*22 has not been observed in referenced population frequency databases. In summary, NM_206933.2(USH2A):c.7955delG(G2652Afs*22) is a frameshift variant in a gene where loss of function is a known mechanism of disease and is predicted to disrupt protein function. Please note: this variant was assessed in the context of healthy population screening.